The following is an entry in ClinVar:

NM_000272.4:c.(1520+1_1521-1)_(1697+1_1698-1)del

Gene: NPHP1 (nephrocystin 1; minus strand).
Variant type: Deletion.
Identifiers: ClinVar variation 988199 (VCV000988199.1).

ClinVar aggregate classification (germline): Likely pathogenic (0 of 4 stars; one submission).

Conditions:
Nephronophthisis. Also called: Juvenile Nephronophthisis. Identifiers: Orphanet 655, MedGen C0687120, MONDO:0019005, HP:0000090.

Submission:

Sydney Genome Diagnostics, Children's Hospital Westmead
Classification: Likely pathogenic for Nephronophthisis. Last evaluated: 2017-10-17. Review status: no assertion criteria provided. Collection method: clinical testing. Allele origin: unknown. Affected: yes. Observed: 1 variant allele, 1 homozygote.
Comment: Flanking exons (exons 14 and 17) did not show any changes in dosage and therefore this deletion has a minimum size of 1 kb and a maximum size of 15.1 kb. This deletion is predicted to lead to an in-frame deletion of 59 amino acids, but the actual protein product resultig from this deletion is uncertain. To our knowledge has not been previously reported in the literature or any locus specific databases. This variant has also not been reported in the DECIPHER UK database or the ClinVAR CNV database. This variant is considered to be pathogenic according to the ACMG guidelines.